The following is an entry in ClinVar:

NM_001031710.3(KLHL7):c.1178-9C>T

Gene: KLHL7 (kelch like family member 7; plus strand). Cytogenetic location: 7p15.3.
Variant type: single nucleotide variant.
Coding change: c.1178-9C>T on transcript NM_001031710.3 (MANE Select); 9 bases into the intron before coding-DNA position 1178, C replaced by T.
Molecular consequence: intron variant.
Genome position (GRCh38, 1-based): chr7:23,167,827, C>T. VCF-style: chr7-23167827-C-T. GRCh37 (hg19) VCF-style: chr7-23207446-C-T.
Other names: c.1034-9C>T (NM_018846.5).
Identifiers: ClinVar variation 5001098 (VCV005001098.1).

ClinVar aggregate classification (germline): Likely benign (1 of 4 stars; one submission).

Conditions:
KLHL7-related disorder. Also called: KLHL7-related condition; KLHL7-related disorders.

Submission:

PreventionGenetics, part of Exact Sciences
Classification: Likely benign for KLHL7-related condition. Last evaluated: 2024-11-08. Review status: criteria provided, single submitter. Criteria: ACMG Guidelines, 2015. Collection method: clinical testing. Allele origin: germline.
Comment: This variant is classified as likely benign based on ACMG/AMP sequence variant interpretation guidelines (Richards et al. 2015 PMID: 25741868, with internal and published modifications).